The following is an entry in ClinVar:

NM_000747.3(CHRNB1):c.1453G>A (p.Val485Ile)

Gene: CHRNB1 (cholinergic receptor nicotinic beta 1 subunit; plus strand). Cytogenetic location: 17p13.1.
Variant type: single nucleotide variant.
Coding change: c.1453G>A on transcript NM_000747.3 (MANE Select); coding-DNA position 1453, G replaced by A.
Protein change: p.Val485Ile; replaces valine 485 with isoleucine.
Molecular consequence: missense variant.
Genome position (GRCh38, 1-based): chr17:7,456,670, G>A. VCF-style: chr17-7456670-G-A. GRCh37 (hg19) VCF-style: chr17-7359989-G-A.
Other names: short protein forms V485I.
Identifiers: ClinVar variation 1397270 (VCV001397270.6), dbSNP rs2150843850, ClinGen allele CA397803266.
Genomic context (GRCh38, chr17:7,456,670, plus strand): 5'-ATGGTAGTGGACCGCCTCTTCCTGTGGACTTTCATCATCTTCACCAGCGTTGGGACCCTA[G>A]TCATCTTCCTGGACGCCACGTACCACTTGCCCCCTCCAGACCCCTTTCCTTGAAGACTGG-3'
Protein context (NP_000738.2, residues 475-495): FIIFTSVGTL[Val485Ile]IFLDATYHLP

ClinVar aggregate classification (germline): Uncertain significance (1 of 4 stars; one submission).

Conditions:
Congenital myasthenic syndrome 2A. Also called: Myasthenic syndrome, congenital, 2a, slow-channel. Identifiers: Orphanet 590, MedGen C4225374, MONDO:0014581, OMIM 616313.

Submission:

Labcorp Genetics (formerly Invitae), Labcorp
Classification: Uncertain significance for Congenital myasthenic syndrome 2A. Last evaluated: 2022-08-17. Review status: criteria provided, single submitter. Criteria: Invitae Variant Classification Sherloc (09022015). Collection method: clinical testing. Allele origin: germline.
Comment: In summary, the available evidence is currently insufficient to determine the role of this variant in disease. Therefore, it has been classified as a Variant of Uncertain Significance. Advanced modeling of protein sequence and biophysical properties (such as structural, functional, and spatial information, amino acid conservation, physicochemical variation, residue mobility, and thermodynamic stability) performed at Invitae indicates that this missense variant is not expected to disrupt CHRNB1 protein function. ClinVar contains an entry for this variant (Variation ID: 1397270). This variant has not been reported in the literature in individuals affected with CHRNB1-related conditions. This variant is not present in population databases (gnomAD no frequency). This sequence change replaces valine, which is neutral and non-polar, with isoleucine, which is neutral and non-polar, at codon 485 of the CHRNB1 protein (p.Val485Ile).